The following is an entry in ClinVar:

NM_002485.5(NBN):c.335C>A (p.Pro112His)

Gene: NBN (nibrin; minus strand). Cytogenetic location: 8q21.3.
Variant type: single nucleotide variant.
Coding change: c.335C>A on transcript NM_002485.5 (MANE Select); coding-DNA position 335, C replaced by A.
Protein change: p.Pro112His; replaces proline 112 with histidine.
Molecular consequence: missense variant.
Genome position (GRCh38, 1-based): chr8:89,980,879, G>T on the plus strand (C>A on the coding strand, the complement: NBN is on the minus strand). VCF-style: chr8-89980879-G-T. GRCh37 (hg19) VCF-style: chr8-90993107-G-T.
Other names: c.89C>A, p.Pro30His (NM_001024688.3, NM_001440379.1, NM_001440380.1); short protein forms P112H, P30H.
Identifiers: ClinVar variation 4660192 (VCV004660192.1).
Genomic context (GRCh38, chr8:89,980,879, plus strand): 5'-ATAGCTTGATTTAAAGCAGTTTTCCCAGAGACATCTAAACAAGAAGAGCATGCAACCAAA[G>T]GCTCATACTCTATTCTGTAAATGAGAATAAGTTAAATAAAGTCATAGTATCAGAGTTGCA-3'
Protein context (NP_002476.2, residues 102-122): FGSKFRIEYE[Pro112His]LVACSSCLDV

ClinVar aggregate classification (germline): Uncertain significance (1 of 4 stars; one submission).

Conditions:
Hereditary cancer-predisposing syndrome. Also called: Neoplastic Syndromes, Hereditary; Tumor predisposition; Hereditary Cancer Syndrome; Hereditary neoplastic syndrome. Identifiers: Orphanet 140162, MedGen C0027672, MeSH D009386, MONDO:0015356.

gnomAD v4.1: 1 of 1,612,548 alleles (0.000062%); no homozygotes.

Submission:

Ambry Genetics
Classification: Uncertain significance for Hereditary cancer-predisposing syndrome. Last evaluated: 2025-12-07. Review status: criteria provided, single submitter. Criteria: Ambry Variant Classification Scheme 2023. Collection method: clinical testing. Allele origin: germline.
Comment: The p.P112H variant (also known as c.335C>A), located in coding exon 4 of the NBN gene, results from a C to A substitution at nucleotide position 335. The proline at codon 112 is replaced by histidine, an amino acid with similar properties. This amino acid position is conserved. In addition, the in silico prediction for this alteration is inconclusive. Based on the available evidence, the clinical significance of this variant remains unclear.